The following is an entry in ClinVar:

ClinVar aggregate classification (germline): Uncertain significance. Review status: criteria provided, multiple submitters, no conflicts (2 of 4 stars). 2 submissions from 2 submitters: Uncertain significance (2). Last evaluated 2025-03-26.

Conditions:
Inborn genetic diseases. Identifiers: MedGen C0950123, MeSH D030342.
Fanconi anemia (FA). Also called: Fanconi's anemia. Identifiers: Orphanet 84, MedGen C0015625, MeSH D005199, MONDO:0019391.

Allele frequency attached by ClinVar (database versions not stated): gnomAD exomes below 0.00001; ExAC 0.00001.
gnomAD v4.1: 1 of 1,614,166 alleles (0.000062%); highest among the groups gnomAD compares: East Asian, 0.0022%; no homozygotes.

Submissions (2):

Ambry Genetics
Classification: Uncertain significance for Inborn genetic diseases. Last evaluated: 2025-03-26. Review status: criteria provided, single submitter. Criteria: Ambry Variant Classification Scheme 2023. Collection method: clinical testing. Allele origin: germline.

Labcorp Genetics (formerly Invitae), Labcorp
Classification: Uncertain significance for Fanconi anemia. Last evaluated: 2022-11-26. Review status: criteria provided, single submitter. Criteria: Invitae Variant Classification Sherloc (09022015). Collection method: clinical testing. Allele origin: germline.
Comment: In summary, the available evidence is currently insufficient to determine the role of this variant in disease. Therefore, it has been classified as a Variant of Uncertain Significance. Advanced modeling of protein sequence and biophysical properties (such as structural, functional, and spatial information, amino acid conservation, physicochemical variation, residue mobility, and thermodynamic stability) performed at Invitae indicates that this missense variant is expected to disrupt FANCF protein function. ClinVar contains an entry for this variant (Variation ID: 1382125). This variant has not been reported in the literature in individuals affected with FANCF-related conditions. This variant is present in population databases (rs764519472, gnomAD 0.006%). This sequence change replaces tryptophan, which is neutral and slightly polar, with cysteine, which is neutral and slightly polar, at codon 26 of the FANCF protein (p.Trp26Cys).

NM_022725.4(FANCF):c.78G>C (p.Trp26Cys)

Gene: FANCF (FA complementation group F; minus strand). Cytogenetic location: 11p14.3.
Variant type: single nucleotide variant.
Coding change: c.78G>C on transcript NM_022725.4 (MANE Select); coding-DNA position 78, G replaced by C.
Protein change: p.Trp26Cys; replaces tryptophan 26 with cysteine.
Molecular consequence: missense variant.
Genome position (GRCh38, 1-based): chr11:22,625,733, C>G on the plus strand (G>C on the coding strand, the complement: FANCF is on the minus strand). VCF-style: chr11-22625733-C-G. GRCh37 (hg19) VCF-style: chr11-22647279-C-G.
Other names: c.78G>C (NM_022725.3); short protein forms W26C.
Identifiers: ClinVar variation 1382125 (VCV001382125.9), dbSNP rs764519472, ClinGen allele CA5924444.